The following is an entry in ClinVar:

NM_005188.4(CBL):c.1752C>G (p.Ser584Arg)

Gene: CBL (Cbl proto-oncogene; plus strand). Cytogenetic location: 11q23.3.
Variant type: single nucleotide variant.
Coding change: c.1752C>G on transcript NM_005188.4 (MANE Select); coding-DNA position 1752, C replaced by G.
Protein change: p.Ser584Arg; replaces serine 584 with arginine.
Molecular consequence: missense variant.
Genome position (GRCh38, 1-based): chr11:119,285,377, C>G. VCF-style: chr11-119285377-C-G. GRCh37 (hg19) VCF-style: chr11-119156087-C-G.
Other names: short protein forms S584R.
Identifiers: ClinVar variation 4219880 (VCV004219880.2).

ClinVar aggregate classification (germline): Uncertain significance. Review status: criteria provided, multiple submitters, no conflicts (2 of 4 stars). 2 submissions from 2 submitters: Uncertain significance (2). Last evaluated 2025-12-09.

Conditions:
RASopathy. Also called: rasopathies; Noonan spectrum disorder. Identifiers: Orphanet 536391, MedGen C5555857, MONDO:0021060.
Cardiovascular phenotype. Identifiers: MedGen CN230736.

Submissions (2):

Labcorp Genetics (formerly Invitae), Labcorp
Classification: Uncertain significance for RASopathy. Last evaluated: 2025-12-09. Review status: criteria provided, single submitter. Criteria: Invitae Variant Classification Sherloc (09022015). Collection method: clinical testing. Allele origin: germline.
Comment: This sequence change replaces serine, which is neutral and polar, with arginine, which is basic and polar, at codon 584 of the CBL protein (p.Ser584Arg). This variant is not present in population databases (gnomAD no frequency). This variant has not been reported in the literature in individuals affected with CBL-related conditions. ClinVar contains an entry for this variant (Variation ID: 4219880). Invitae Evidence Modeling of protein sequence and biophysical properties (such as structural, functional, and spatial information, amino acid conservation, physicochemical variation, residue mobility, and thermodynamic stability) indicates that this missense variant is not expected to disrupt CBL protein function with a negative predictive value of 95%. In summary, the available evidence is currently insufficient to determine the role of this variant in disease. Therefore, it has been classified as a Variant of Uncertain Significance.

Ambry Genetics
Classification: Uncertain significance for Cardiovascular phenotype. Last evaluated: 2025-07-28. Review status: criteria provided, single submitter. Criteria: Ambry Variant Classification Scheme 2023. Collection method: clinical testing. Allele origin: germline.
Comment: The p.S584R variant (also known as c.1752C>G), located in coding exon 11 of the CBL gene, results from a C to G substitution at nucleotide position 1752. The serine at codon 584 is replaced by arginine, an amino acid with dissimilar properties. This amino acid position is conserved. In addition, this alteration is predicted to be tolerated by in silico analysis. Based on the available evidence, the clinical significance of this variant remains unclear.